The following is an entry in ClinVar:

NM_001358235.2(DCHS2):c.1274G>T (p.Arg425Leu)

Gene: DCHS2 (dachsous cadherin-related 2; minus strand). Cytogenetic location: 4q31.3.
Variant type: single nucleotide variant.
Coding change: c.1274G>T on transcript NM_001358235.2 (MANE Select); coding-DNA position 1274, G replaced by T.
Protein change: p.Arg425Leu; replaces arginine 425 with leucine.
Molecular consequence: missense variant.
Genome position (GRCh38, 1-based): chr4:154,490,082, C>A on the plus strand (G>T on the coding strand, the complement: DCHS2 is on the minus strand). VCF-style: chr4-154490082-C-A. GRCh37 (hg19) VCF-style: chr4-155411234-C-A.
Other names: c.1274G>T, p.Arg425Leu (NM_001412223.1, NM_001142552.2); c.1274G>T (NM_001358235.1); short protein forms R425L.
Identifiers: ClinVar variation 2655143 (VCV002655143.25), dbSNP rs201027235, ClinGen allele CA3113839.
Genomic context (GRCh38, chr4:154,490,082, plus strand): 5'-TCCGCGTCAGACACCGAGACGCGAGCCACGTAGTCGCCCGGTCGGGCGCCTTCAGAGACA[C>A]GGGCGACGCCTCCCTCTGTGAGAAAGAGCACGTGAATTGCTGGCCGGTTGTCATTCACGT-3'
Protein context (NP_001345164.1, residues 415-435): VLFLTEGGVA[Arg425Leu]VSEGARPGDY

ClinVar aggregate classification (germline): Likely benign. Review status: criteria provided, single submitter (1 of 4 stars). 2 submissions from 2 submitters: Likely benign (1). 1 of the submissions does not count toward it. Last evaluated 2023-02-01.

Conditions:
DCHS2-related disorder. Also called: DCHS2-related condition.

Allele frequency attached by ClinVar (database versions not stated): 1000 Genomes Project 0.00180; 1000 Genomes Project 30x 0.00203; ExAC 0.00511.
gnomAD v4.1: 8,747 of 1,549,542 alleles (0.56%); highest among the groups gnomAD compares: Non-Finnish European, 0.66%; 31 homozygotes.

Submissions (2):

CeGaT Center for Human Genetics Tuebingen
Classification: Likely benign. Last evaluated: 2023-02-01. Review status: criteria provided, single submitter. Criteria: CeGaT Center For Human Genetics Tuebingen Variant Classification Criteria Version 2. Collection method: clinical testing. Allele origin: germline. Affected: yes. Observed: 1 variant allele.
Comment: DCHS2: BP4, BS2

PreventionGenetics, part of Exact Sciences
Classification: Likely benign for DCHS2-related condition. Last evaluated: 2019-03-04. Review status: no assertion criteria provided. Collection method: clinical testing. Allele origin: germline. Not counted in ClinVar's aggregate classification.
Comment: This variant is classified as likely benign based on ACMG/AMP sequence variant interpretation guidelines (Richards et al. 2015 PMID: 25741868, with internal and published modifications).